The following is an entry in ClinVar:

ClinVar aggregate classification (germline): Benign (1 of 4 stars; one submission).

Allele frequency attached by ClinVar (database versions not stated): gnomAD 0.51836 and 0.52461; 1000 Genomes Project 0.55252.
gnomAD v4.1: 77,098 of 146,816 alleles (53%); highest among the groups gnomAD compares: East Asian, 68%; 20,007 homozygotes.

Submission:

GeneDx
Classification: Benign. Last evaluated: 2018-06-18. Review status: criteria provided, single submitter. Criteria: GeneDx Variant Classification (06012015). Collection method: clinical testing. Allele origin: germline. Affected: yes.
Comment: This variant is considered likely benign or benign based on one or more of the following criteria: it is a conservative change, it occurs at a poorly conserved position in the protein, it is predicted to be benign by multiple in silico algorithms, and/or has population frequency not consistent with disease.

NM_001035.3(RYR2):c.3807+218T>C

Genes: RYR2 (ryanodine receptor 2; plus strand), LOC126806067 (BRD4-independent group 4 enhancer GRCh37_chr1:237753258-237754457; plus strand). Cytogenetic location: 1q43.
Variant type: single nucleotide variant.
Coding change: c.3807+218T>C on transcript NM_001035.3 (MANE Select); 218 bases into the intron after coding-DNA position 3807, T replaced by C.
Molecular consequence: intron variant.
Genome position (GRCh38, 1-based): chr1:237,590,219, T>C. VCF-style: chr1-237590219-T-C. GRCh37 (hg19) VCF-style: chr1-237753519-T-C.
Identifiers: ClinVar variation 674656 (VCV000674656.1), dbSNP rs6689871, ClinGen allele CA10946018.